The following is an entry in ClinVar:

NM_005676.5(RBM10):c.1175A>G (p.Asn392Ser)

Gene: RBM10 (RNA binding motif protein 10; plus strand). Cytogenetic location: Xp11.3.
Variant type: single nucleotide variant.
Coding change: c.1175A>G on transcript NM_005676.5 (MANE Select); coding-DNA position 1175, A replaced by G.
Protein change: p.Asn392Ser; replaces asparagine 392 with serine.
Molecular consequence: missense variant.
Genome position (GRCh38, 1-based): chrX:47,180,433, A>G. VCF-style: chrX-47180433-A-G. GRCh37 (hg19) VCF-style: chrX-47039832-A-G.
Other names: c.1370A>G, p.Asn457Ser (NM_001204468.2); c.941A>G, p.Asn314Ser (NM_152856.3); c.944A>G, p.Asn315Ser (NM_001204466.2); c.1172A>G, p.Asn391Ser (NM_001204467.2); short protein forms N314S, N392S, N457S, N315S, N391S.
Identifiers: ClinVar variation 721169 (VCV000721169.33), dbSNP rs189102912, ClinGen allele CA10395241.

ClinVar aggregate classification (germline): Likely benign. Review status: criteria provided, multiple submitters, no conflicts (2 of 4 stars). 3 submissions from 3 submitters: Likely benign (2). 1 of the submissions does not count toward it. Last evaluated 2025-05-22.

Conditions:
RBM10-related disorder. Also called: RBM10-related condition.

Allele frequency attached by ClinVar (database versions not stated): gnomAD 0.00015; ESP Exome Variant Server 0.00019; gnomAD exomes 0.00023 and 0.00046; TOPMed 0.00029; 1000 Genomes Project 0.00053; ExAC 0.00056; 1000 Genomes Project 30x 0.00062.
gnomAD v4.1: 272 of 1,197,339 alleles (0.023%); highest among the groups gnomAD compares: East Asian, 0.59%; no homozygotes.

Submissions (3):

Labcorp Genetics (formerly Invitae), Labcorp
Classification: Likely benign. Last evaluated: 2025-05-22. Review status: criteria provided, single submitter. Criteria: Invitae Variant Classification Sherloc (09022015). Collection method: clinical testing. Allele origin: germline.

CeGaT Center for Human Genetics Tuebingen
Classification: Likely benign. Last evaluated: 2023-01-01. Review status: criteria provided, single submitter. Criteria: CeGaT Center For Human Genetics Tuebingen Variant Classification Criteria Version 2. Collection method: clinical testing. Allele origin: germline. Affected: yes. Observed: 1 variant allele.
Comment: RBM10: PP2, BS2

PreventionGenetics, part of Exact Sciences
Classification: Benign for RBM10-related condition. Last evaluated: 2019-06-12. Review status: no assertion criteria provided. Collection method: clinical testing. Allele origin: germline. Not counted in ClinVar's aggregate classification.
Comment: This variant is classified as benign based on ACMG/AMP sequence variant interpretation guidelines (Richards et al. 2015 PMID: 25741868, with internal and published modifications).